The following is an entry in ClinVar:

NM_000059.4(BRCA2):c.2899C>G (p.Leu967Val)

Gene: BRCA2 (BRCA2 DNA repair associated; plus strand). Cytogenetic location: 13q13.1.
Variant type: single nucleotide variant.
Coding change: c.2899C>G on transcript NM_000059.4 (MANE Select); coding-DNA position 2899, C replaced by G.
Protein change: p.Leu967Val; replaces leucine 967 with valine.
Molecular consequence: missense variant.
Genome position (GRCh38, 1-based): chr13:32,337,254, C>G. VCF-style: chr13-32337254-C-G. GRCh37 (hg19) VCF-style: chr13-32911391-C-G.
Other names: short protein forms L967V.
Identifiers: ClinVar variation 51367 (VCV000051367.7), dbSNP rs80358539, ClinGen allele CA016713.

ClinVar aggregate classification (germline): Conflicting classifications of pathogenicity. Review status: criteria provided, conflicting classifications (1 of 4 stars). 4 submissions from 4 submitters: Uncertain significance (1); Likely benign (2). 1 of the submissions does not count toward it. Last evaluated 2024-09-03.

Conditions:
Hereditary breast ovarian cancer syndrome. Also called: Hereditary breast and ovarian cancer syndrome; Hereditary breast and ovarian cancer; Hereditary breast and ovarian cancer syndrome (HBOC); Breast and ovarian cancer; Hereditary breast and/or ovarian cancer syndrome; BRCA1- and BRCA2-Associated Hereditary Breast and Ovarian Cancer. Identifiers: Orphanet 145, MedGen C0677776, MeSH D061325, MONDO:0003582. Disease mechanism: loss of function.
Breast-ovarian cancer, familial, susceptibility to, 2 (BROVCA2). Also called: BRCA2 Hereditary Breast and Ovarian Cancer. Identifiers: Orphanet 145, MedGen C2675520, MONDO:0012933, OMIM 612555. Disease mechanism: loss of function.
Hereditary cancer-predisposing syndrome. Also called: Neoplastic Syndromes, Hereditary; Tumor predisposition; Hereditary Cancer Syndrome; Hereditary neoplastic syndrome. Identifiers: Orphanet 140162, MedGen C0027672, MeSH D009386, MONDO:0015356.

Submissions (4):

Labcorp Genetics (formerly Invitae), Labcorp
Classification: Uncertain significance for Hereditary breast ovarian cancer syndrome. Last evaluated: 2024-09-03. Review status: criteria provided, single submitter. Criteria: Invitae Variant Classification Sherloc (09022015). Collection method: clinical testing. Allele origin: germline.
Comment: This sequence change replaces leucine, which is neutral and non-polar, with valine, which is neutral and non-polar, at codon 967 of the BRCA2 protein (p.Leu967Val). This variant is not present in population databases (gnomAD no frequency). This variant has not been reported in the literature in individuals affected with BRCA2-related conditions. ClinVar contains an entry for this variant (Variation ID: 51367). Invitae Evidence Modeling of protein sequence and biophysical properties (such as structural, functional, and spatial information, amino acid conservation, physicochemical variation, residue mobility, and thermodynamic stability) indicates that this missense variant is not expected to disrupt BRCA2 protein function with a negative predictive value of 95%. In summary, the available evidence is currently insufficient to determine the role of this variant in disease. Therefore, it has been classified as a Variant of Uncertain Significance.

Ambry Genetics
Classification: Likely benign for Hereditary cancer-predisposing syndrome. Last evaluated: 2024-04-29. Review status: criteria provided, single submitter. Criteria: Ambry Variant Classification Scheme 2023. Collection method: clinical testing. Allele origin: germline.

University of Washington Department of Laboratory Medicine, University of Washington
Classification: Likely benign for Hereditary cancer-predisposing syndrome. Last evaluated: 2023-03-23. Review status: criteria provided, single submitter. Criteria: Dines et al. (Genet Med. 2020). Collection method: curation. Allele origin: germline.
Comment: Missense variant in a coldspot region where missense variants are very unlikely to be pathogenic (PMID:31911673).

BRCA2 exon 11 coldspot. Reclassification based on statistical prior probability.

Breast Cancer Information Core (BIC) (BRCA2)
Classification: Uncertain significance for Breast-ovarian cancer, familial 2. Last evaluated: 2003-12-23. Review status: no assertion criteria provided. Collection method: clinical testing. Allele origin: germline. Affected: yes. Observed: 1 variant allele. Not counted in ClinVar's aggregate classification.